The following is an entry in ClinVar:

NM_019023.5(PRMT7):c.322G>T (p.Glu108Ter)

Gene: PRMT7 (protein arginine methyltransferase 7; plus strand). Cytogenetic location: 16q22.1.
Variant type: single nucleotide variant.
Coding change: c.322G>T on transcript NM_019023.5 (MANE Select); coding-DNA position 322, G replaced by T.
Protein change: p.Glu108Ter; replaces glutamic acid 108 with a stop codon.
Molecular consequence: nonsense. On other transcripts: non-coding transcript variant (11), intron variant (1).
Genome position (GRCh38, 1-based): chr16:68,329,105, G>T. VCF-style: chr16-68329105-G-T. GRCh37 (hg19) VCF-style: chr16-68363008-G-T.
Other names: c.172G>T, p.Glu58Ter (NM_001184824.4); c.322G>T, p.Glu108Ter (NM_001290018.2, NM_001351143.3, NM_001351144.3 and 1 more transcripts); c.85G>T, p.Glu29Ter (NM_001378021.1, NM_001378022.1, NM_001378023.1); c.184+4273G>T (NM_001378020.1); short protein forms E108*, E58*, E29*.
Identifiers: ClinVar variation 523435 (VCV000523435.19), dbSNP rs1014959895, ClinGen allele CA283235611.
Genomic context (GRCh38, chr16:68,329,105, plus strand): 5'-GGTTTCGGCTCTATTTTCTAGGTTTTCAAGCCTATGGCTGATGCTGCTGTGAAGATTGTG[G>T]AGAAAAATGGCTTTAGTGATAAGATTAAGGTTATCAACAAGCATTCCACCGAGGTGACTG-3'

ClinVar aggregate classification (germline): Pathogenic/Likely pathogenic. Review status: criteria provided, multiple submitters, no conflicts (2 of 4 stars). 6 submissions from 6 submitters: Pathogenic (5); Likely pathogenic (1). Last evaluated 2025-08-27.

Conditions:
Inborn genetic diseases. Identifiers: MedGen C0950123, MeSH D030342.
Obesity. Also called: Obesity disorder. Identifiers: Orphanet 71529, MedGen C0028754, MeSH D009765, MONDO:0011122, HP:0001513.
Hepatic steatosis. Also called: Fatty liver disease. Identifiers: MedGen C2711227, MONDO:0004790, HP:0001397.
Acanthosis nigricans. Identifiers: MedGen C0000889, MeSH D000052, MONDO:0007035, HP:0000956.
Lumbar hyperlordosis. Identifiers: MedGen C1184923, HP:0002938.
Hyperlipidemia. Also called: Hyperlipidemias; Hyperlipidemia (disease). Identifiers: MedGen C0020473, MONDO:0021187, HP:0003077.
Abnormality of the dentition. Also called: Dental anomalies. Identifiers: MedGen C0262444, HP:0000164.
Skeletal dysplasia. Also called: Primary bone dysplasia. Identifiers: Orphanet 364526, MedGen C0410528, MONDO:0018230, HP:0002652.
Brachydactyly. Also called: Brachydactyly syndrome; Brachydactyly (disease). Identifiers: MedGen C0221357, MONDO:0021004, HP:0001156.
Renal hypoplasia. Also called: Renal hypoplasia (disease). Identifiers: Orphanet 93101, MedGen C0266295, MONDO:0019637, HP:0000089.
Short stature. Identifiers: MedGen C0349588, HP:0004322.
Short metacarpal. Also called: short metacarpals. Identifiers: MedGen C1837084, HP:0010049.
Severe intellectual disability. Identifiers: MedGen C0036857, HP:0010864.
Abnormal facial shape. Also called: Dysmorphic facial features; Dysmorphic facies. Identifiers: MedGen C0424503, HP:0001999.
Self-injurious behavior. Identifiers: MedGen C0085271, HP:0100716.
Insulin resistance. Identifiers: MedGen C0021655, HP:0000855.
Short stature-brachydactyly-obesity-global developmental delay syndrome. Also called: Short stature, brachydactyly, intellectual developmental disability, and seizures; SHORT STATURE, BRACHYDACTYLY, IMPAIRED INTELLECTUAL DEVELOPMENT, AND SEIZURES. Identifiers: Orphanet 464288, MedGen C4310689, MONDO:0014944, OMIM 617157.

Allele frequency attached by ClinVar (database versions not stated): TOPMed 0.00002.
gnomAD v4.1: 7 of 1,612,858 alleles (0.00043%); highest among the groups gnomAD compares: Admixed American, 0.0083%; no homozygotes.

Submissions (6):

3billion
Classification: Pathogenic for Short stature-brachydactyly-obesity-global developmental delay syndrome. Last evaluated: 2025-08-27. Review status: criteria provided, single submitter. Criteria: ACMG Guidelines, 2015. Collection method: clinical testing. Allele origin: germline. Affected: yes.
Comment: The variant is observed at an extremely low frequency in the gnomAD v4.1.0 dataset (total allele frequency: <0.001%). Predicted Consequence/Location: Stop-gained (nonsense): predicted to result in a loss or disruption of normal protein function through nonsense-mediated decay (NMD) or protein truncation. Multiple pathogenic variants are reported downstream of the variant. The variant has been reported at least twice as pathogenic with clinical assertions and evidence for the classification (ClinVar ID: VCV000523435 /PMID: 28902392). Therefore, this variant is classified as Pathogenic according to the recommendation of ACMG/AMP guideline.

GeneDx
Classification: Pathogenic. Last evaluated: 2025-03-04. Review status: criteria provided, single submitter. Criteria: GeneDx Variant Classification Process June 2021. Collection method: clinical testing. Allele origin: germline. Affected: yes.
Comment: Nonsense variant predicted to result in protein truncation or nonsense mediated decay in a gene for which loss of function is a known mechanism of disease; This variant is associated with the following publications: (PMID: 30006058, 30513135, 34244600, 36660030, 31623504, 28902392)

Ambry Genetics
Classification: Pathogenic for Inborn genetic diseases. Last evaluated: 2022-08-16. Review status: criteria provided, single submitter. Criteria: Ambry Variant Classification Scheme 2023. Collection method: clinical testing. Allele origin: germline.
Comment: The c.322G>T (p.E108*) alteration, located in exon 6 (coding exon 4) of the PRMT7 gene, consists of a G to T substitution at nucleotide position 322. This changes the amino acid from a glutamic acid (E) to a stop codon at amino acid position 108. This alteration is expected to result in loss of function by premature protein truncation or nonsense-mediated mRNA decay. Based on data from gnomAD, the T allele has an overall frequency of 0.002% (4/251442) total alleles studied. The highest observed frequency was 0.009% (3/34590) of Latino alleles. This alteration has been reported homozygous in a child with growth retardation, feeding difficulties, global developmental delay with severe intellectual disability, hypotonia, absence seizures, dysmorphic features, and other congenital anomalies (Agolini, 2017). Based on the available evidence, this alteration is classified as pathogenic.

Labcorp Genetics (formerly Invitae), Labcorp
Classification: Pathogenic. Last evaluated: 2018-12-16. Review status: criteria provided, single submitter. Criteria: Invitae Variant Classification Sherloc (09022015). Collection method: clinical testing. Allele origin: germline.
Comment: This sequence change creates a premature translational stop signal (p.Glu108*) in the PRMT7 gene. It is expected to result in an absent or disrupted protein product. This variant is not present in population databases (ExAC no frequency). This variant has been observed in an individual affected with SBIDDS syndrome (PMID: 28902392). Loss-of-function variants in PRMT7 are known to be pathogenic (PMID: 26437029, 27718516). For these reasons, this variant has been classified as Pathogenic.

Fulgent Genetics
Classification: Likely pathogenic for Short stature-brachydactyly-obesity-global developmental delay syndrome. Last evaluated: 2018-10-31. Review status: criteria provided, single submitter. Criteria: ACMG Guidelines, 2015. Collection method: clinical testing. Allele origin: unknown.

Centre for Mendelian Genomics, University Medical Centre Ljubljana
Classification: Pathogenic for Abnormal facial shape; Abnormality of the dentition; Acanthosis nigricans; Brachydactyly; Hepatic steatosis; Hyperlipidemia; Insulin resistance; Severe intellectual disability; Lumbar hyperlordosis; Obesity; Renal hypoplasia; Self-injurious behavior; Short metacarpal; Short stature; Skeletal dysplasia. Last evaluated: 2017-01-01. Review status: criteria provided, single submitter. Criteria: ACMG Guidelines, 2015. Collection method: clinical testing. Allele origin: unknown. Affected: yes.

Literature cited by the submitters: PubMed 28902392 (cited by 3 submitters); PubMed 26437029 (cited by Labcorp Genetics (formerly Invitae), Labcorp); PubMed 27718516 (cited by Labcorp Genetics (formerly Invitae), Labcorp).